The following is an entry in ClinVar:

ClinVar aggregate classification (germline): Uncertain significance. Review status: criteria provided, multiple submitters, no conflicts (2 of 4 stars). 3 submissions from 3 submitters: Uncertain significance (2). 1 of the submissions does not count toward it. Last evaluated 2022-03-18.

Conditions:
Glycine encephalopathy. Also called: Nonketotic hyperglycinemia; Non-ketotic hyperglycinemia. Identifiers: Orphanet 407, MedGen C0751748, MONDO:0011612, HP:0008288.

Allele frequency attached by ClinVar (database versions not stated): ExAC 0.00001; gnomAD exomes 0.00002.
gnomAD v4.1: 23 of 1,614,102 alleles (0.0014%); highest among the groups gnomAD compares: South Asian, 0.021%; no homozygotes.

Submissions (3):

Labcorp Genetics (formerly Invitae), Labcorp
Classification: Uncertain significance for Glycine encephalopathy. Last evaluated: 2022-03-18. Review status: criteria provided, single submitter. Criteria: Invitae Variant Classification Sherloc (09022015). Collection method: clinical testing. Allele origin: germline.
Comment: This sequence change replaces glycine, which is neutral and non-polar, with serine, which is neutral and polar, at codon 341 of the AMT protein (p.Gly341Ser). This variant is present in population databases (rs769609020, gnomAD 0.02%). This variant has not been reported in the literature in individuals affected with AMT-related conditions. ClinVar contains an entry for this variant (Variation ID: 1037876). Algorithms developed to predict the effect of missense changes on protein structure and function are either unavailable or do not agree on the potential impact of this missense change (SIFT: "Tolerated"; PolyPhen-2: "Possibly Damaging"; Align-GVGD: "Class C0"). In summary, the available evidence is currently insufficient to determine the role of this variant in disease. Therefore, it has been classified as a Variant of Uncertain Significance.

3billion
Classification: Uncertain significance for Glycine encephalopathy 1. Last evaluated: 2022-01-03. Review status: criteria provided, single submitter. Criteria: ACMG Guidelines, 2015. Collection method: clinical testing. Allele origin: germline. Affected: yes. Observed: 1 homozygote.
Comment: The variant observed at an extremely low frequency in the gnomAD v2.1.1 dataset (total allele frequency: 0.000020, PM2_M). In silico tool predictions suggest damaging effect of the variant on gene or gene product (REVEL: 0.706, PP3_P). Therefore, this variant is classified as uncertain significance according to the recommendation of ACMG/AMP guideline.

Natera, Inc.
Classification: Uncertain significance for Non-ketotic hyperglycinemia. Last evaluated: 2021-08-26. Review status: no assertion criteria provided. Collection method: clinical testing. Allele origin: germline. Not counted in ClinVar's aggregate classification.

NM_000481.4(AMT):c.1021G>A (p.Gly341Ser)

Gene: AMT (aminomethyltransferase; minus strand). Cytogenetic location: 3p21.31.
Variant type: single nucleotide variant.
Coding change: c.1021G>A on transcript NM_000481.4 (MANE Select); coding-DNA position 1021, G replaced by A.
Protein change: p.Gly341Ser; replaces glycine 341 with serine.
Molecular consequence: missense variant. On other transcripts: non-coding transcript variant (1).
Genome position (GRCh38, 1-based): chr3:49,417,830, C>T on the plus strand (G>A on the coding strand, the complement: AMT is on the minus strand). VCF-style: chr3-49417830-C-T. GRCh37 (hg19) VCF-style: chr3-49455263-C-T.
Other names: c.889G>A, p.Gly297Ser (NM_001164710.2); c.853G>A, p.Gly285Ser (NM_001164711.2); c.1021G>A, p.Gly341Ser (NM_001164712.2); short protein forms G297S, G341S, G285S.
Identifiers: ClinVar variation 1037876 (VCV001037876.6), dbSNP rs769609020, ClinGen allele CA2398180.
Genomic context (GRCh38, chr3:49,417,830, plus strand): 5'-CCCTCCTGGGAAGAGACAAGGGTTTCCCAGCTTCCCTGGTCCACCTACCAATCTTGGTAC[C>T]CTCCATGTTCAGGATGGGACTGTGTGCCCGCATGGGGGCCCCCTCACACATCAACCCCAC-3'
Protein context (NP_000472.2, residues 331-351): RAHSPILNME[Gly341Ser]TKIGTVTSGC